The following is an entry in ClinVar:

ClinVar aggregate classification (germline): Likely pathogenic (1 of 4 stars; one submission).

Conditions:
ELN-related disorder.

Submission:

PreventionGenetics, part of Exact Sciences
Classification: Likely pathogenic for ELN-related condition. Last evaluated: 2025-12-11. Review status: criteria provided, single submitter. Criteria: ACMG Guidelines, 2015. Collection method: clinical testing. Allele origin: germline.
Comment: The ELN c.82+1G>T variant is predicted to disrupt the GT donor site and interfere with normal splicing. To our knowledge, this variant has not been reported in the literature or in a large population database (gnomAD), indicating this variant is rare. Variants that disrupt the consensus splice donor site in ELN are expected to be pathogenic. This variant is interpreted as likely pathogenic.

NM_000501.4(ELN):c.82+1G>T

Gene: ELN (elastin; plus strand). Cytogenetic location: 7q11.23.
Variant type: single nucleotide variant.
Coding change: c.82+1G>T on transcript NM_000501.4 (MANE Select); the canonical splice donor site of the intron after coding-DNA position 82, G replaced by T.
Molecular consequence: splice donor variant.
Genome position (GRCh38, 1-based): chr7:74,028,270, G>T. VCF-style: chr7-74028270-G-T. GRCh37 (hg19) VCF-style: chr7-73442600-G-T.
Other names: c.82+1G>T (NM_001081754.3, NM_001081753.3, NM_001278939.2 and 9 more transcripts).
Identifiers: ClinVar variation 4993341 (VCV004993341.1).